The following is an entry in ClinVar:

NM_178161.3(PTF1A):c.692G>A (p.Gly231Asp)

Gene: PTF1A (pancreas associated transcription factor 1a; plus strand). Cytogenetic location: 10p12.2.
Variant type: single nucleotide variant.
Coding change: c.692G>A on transcript NM_178161.3 (MANE Select); coding-DNA position 692, G replaced by A.
Protein change: p.Gly231Asp; replaces glycine 231 with aspartic acid.
Molecular consequence: missense variant.
Genome position (GRCh38, 1-based): chr10:23,193,222, G>A. VCF-style: chr10-23193222-G-A. GRCh37 (hg19) VCF-style: chr10-23482151-G-A.
Other names: short protein forms G231D.
Identifiers: ClinVar variation 1916136 (VCV001916136.5), dbSNP rs2492672589, ClinGen allele CA376263159.

ClinVar aggregate classification (germline): Uncertain significance (1 of 4 stars; one submission).

Allele frequency attached by ClinVar (database versions not stated): gnomAD exomes below 0.00001.

Submission:

Labcorp Genetics (formerly Invitae), Labcorp
Classification: Uncertain significance. Last evaluated: 2022-01-28. Review status: criteria provided, single submitter. Criteria: Invitae Variant Classification Sherloc (09022015). Collection method: clinical testing. Allele origin: germline.
Comment: In summary, the available evidence is currently insufficient to determine the role of this variant in disease. Therefore, it has been classified as a Variant of Uncertain Significance. Algorithms developed to predict the effect of missense changes on protein structure and function output the following: SIFT: "Deleterious"; PolyPhen-2: "Not Available"; Align-GVGD: "Class C0". The aspartic acid amino acid residue is found in multiple mammalian species, which suggests that this missense change does not adversely affect protein function. This variant has not been reported in the literature in individuals affected with PTF1A-related conditions. This variant is not present in population databases (gnomAD no frequency). This sequence change replaces glycine, which is neutral and non-polar, with aspartic acid, which is acidic and polar, at codon 231 of the PTF1A protein (p.Gly231Asp).